The following is an entry in ClinVar:

ClinVar aggregate classification (germline): Uncertain significance (1 of 4 stars; one submission).

Conditions:
Hereditary cancer-predisposing syndrome. Also called: Tumor predisposition; Neoplastic Syndromes, Hereditary; Hereditary Cancer Syndrome; Hereditary neoplastic syndrome. Identifiers: Orphanet 140162, MedGen C0027672, MeSH D009386, MONDO:0015356.

Submission:

Ambry Genetics
Classification: Uncertain significance for Hereditary cancer-predisposing syndrome. Last evaluated: 2024-10-29. Review status: criteria provided, single submitter. Criteria: Ambry Variant Classification Scheme 2023. Collection method: clinical testing. Allele origin: germline.
Comment: The p.I980M variant (also known as c.2940A>G), located in coding exon 9 of the BRCA1 gene, results from an A to G substitution at nucleotide position 2940. The isoleucine at codon 980 is replaced by methionine, an amino acid with highly similar properties. This amino acid position is not well conserved in available vertebrate species. In addition, this alteration is predicted to be tolerated by in silico analysis. Based on the available evidence, the clinical significance of this variant remains unclear.

NM_007294.4(BRCA1):c.2940A>G (p.Ile980Met)

Gene: BRCA1 (BRCA1 DNA repair associated; minus strand). Cytogenetic location: 17q21.31.
Variant type: single nucleotide variant.
Coding change: c.2940A>G on transcript NM_007294.4 (MANE Select); coding-DNA position 2940, A replaced by G.
Protein change: p.Ile980Met; replaces isoleucine 980 with methionine.
Molecular consequence: missense variant. On other transcripts: intron variant (137).
Genome position (GRCh38, 1-based): chr17:43,092,591, T>C on the plus strand (A>G on the coding strand, the complement: BRCA1 is on the minus strand). VCF-style: chr17-43092591-T-C. GRCh37 (hg19) VCF-style: chr17-41244608-T-C.
Other names: c.2673A>G, p.Ile891Met (NM_001407932.1, NM_001407934.1, NM_001407936.1 and 2 more transcripts); c.2676A>G, p.Ile892Met (NM_001407933.1, NM_001407935.1, NM_001407920.1 and 9 more transcripts); c.2814A>G, p.Ile938Met (NM_001407940.1, NM_001407941.1, NM_001407649.1 and 11 more transcripts); c.2817A>G, p.Ile939Met (NM_001407937.1, NM_001407938.1, NM_001407939.1 and 19 more transcripts); c.2727A>G, p.Ile909Met (NM_001407571.1, NM_001407853.1, NM_001407894.1 and 9 more transcripts); c.2940A>G, p.Ile980Met (NM_001407581.1, NM_001407582.1, NM_001407583.1 and 30 more transcripts); c.2937A>G, p.Ile979Met (NM_001407587.1, NM_001407590.1, NM_001407591.1 and 22 more transcripts); c.2931A>G, p.Ile977Met (NM_001407646.1, NM_001407647.1); and 41 more; short protein forms I853M, I932M, I939M, I977M, I684M, I891M, I979M, I869M.
Identifiers: ClinVar variation 3481877 (VCV003481877.1).